The following is an entry in ClinVar:

NM_001005498.4(RHBDF2):c.*181C>T

Gene: RHBDF2 (rhomboid 5 homolog 2; minus strand). Cytogenetic location: 17q25.1.
Variant type: single nucleotide variant.
Coding change: c.*181C>T on transcript NM_001005498.4 (MANE Select); 181 bases downstream of the stop codon, C replaced by T.
Molecular consequence: 3 prime UTR variant. On other transcripts: non-coding transcript variant (3).
Genome position (GRCh38, 1-based): chr17:76,471,452, G>A on the plus strand (C>T on the coding strand, the complement: RHBDF2 is on the minus strand). VCF-style: chr17-76471452-G-A. GRCh37 (hg19) VCF-style: chr17-74467534-G-A.
Other names: c.*181C>T (NM_001376228.1, NM_001376229.1, NM_001376230.1 and 1 more transcripts).
Identifiers: ClinVar variation 325416 (VCV000325416.5), dbSNP rs374842629, ClinGen allele CA10651068.

ClinVar aggregate classification (germline): Benign (1 of 4 stars; one submission).

Conditions:
Palmoplantar keratoderma-esophageal carcinoma syndrome (TOC). Also called: KERATOSIS PALMARIS ET PLANTARIS WITH ESOPHAGEAL CANCER; PALMOPLANTAR KERATODERMA WITH ESOPHAGEAL CANCER; Tylosis with Esophageal Cancer. Identifiers: Orphanet 2198, MedGen C1835664, MONDO:0007856, OMIM 148500.

Allele frequency attached by ClinVar (database versions not stated): gnomAD 0.00059 and 0.00067; TOPMed 0.00077; 1000 Genomes Project 30x 0.00187; 1000 Genomes Project 0.00200.
gnomAD v4.1: 385 of 668,882 alleles (0.058%); highest among the groups gnomAD compares: East Asian, 0.87%; 2 homozygotes.

Submission:

Illumina Laboratory Services, Illumina
Classification: Benign for Palmoplantar keratoderma-esophageal carcinoma syndrome. Last evaluated: 2018-01-12. Review status: criteria provided, single submitter. Criteria: ICSL Variant Classification Criteria 13 December 2019. Collection method: clinical testing. Allele origin: germline.
Comment: This variant was observed in the ICSL laboratory as part of a predisposition screen in an ostensibly healthy population. It had not been previously curated by ICSL or reported in the Human Gene Mutation Database (HGMD: prior to June 1st, 2018), and was therefore a candidate for classification through an automated scoring system. Utilizing variant allele frequency, disease prevalence and penetrance estimates, and inheritance mode, an automated score was calculated to assess if this variant is too frequent to cause the disease. Based on the score and internal cut-off values, a variant classified as benign is not then subjected to further curation. The score for this variant resulted in a classification of benign for this disease.